The following is an entry in ClinVar:

NM_004655.4(AXIN2):c.1311G>T (p.Thr437=)

Gene: AXIN2 (axin 2; minus strand). Cytogenetic location: 17q24.1.
Variant type: single nucleotide variant.
Coding change: c.1311G>T on transcript NM_004655.4 (MANE Select); coding-DNA position 1311, G replaced by T.
Protein change: p.Thr437=; no amino-acid change (threonine 437 retained).
Molecular consequence: synonymous variant.
Genome position (GRCh38, 1-based): chr17:65,537,725, C>A on the plus strand (G>T on the coding strand, the complement: AXIN2 is on the minus strand). VCF-style: chr17-65537725-C-A. GRCh37 (hg19) VCF-style: chr17-63533843-C-A.
Other names: c.1311G>T (LRG_296t1); c.1311G>T, p.Thr437= (NM_001363813.1).
Identifiers: ClinVar variation 464536 (VCV000464536.10), dbSNP rs1555578002, ClinGen allele CA501691280.

ClinVar aggregate classification (germline): Benign/Likely benign. Review status: criteria provided, multiple submitters, no conflicts (2 of 4 stars). 3 submissions from 3 submitters: Benign (1); Likely benign (2). Last evaluated 2024-07-02.

Conditions:
Hereditary cancer-predisposing syndrome. Also called: Neoplastic Syndromes, Hereditary; Tumor predisposition; Hereditary Cancer Syndrome; Hereditary neoplastic syndrome. Identifiers: Orphanet 140162, MedGen C0027672, MeSH D009386, MONDO:0015356.
Oligodontia-cancer predisposition syndrome. Also called: TOOTH AGENESIS-COLORECTAL CANCER SYNDROME. Identifiers: Orphanet 300576, MedGen C1837750, MONDO:0012075, OMIM 608615. Disease mechanism: loss of function.

Submissions (3):

Myriad Genetics, Inc.
Classification: Benign for Oligodontia-cancer predisposition syndrome. Last evaluated: 2024-07-02. Review status: criteria provided, single submitter. Criteria: Myriad Autosomal Dominant, Autosomal Recessive and X-Linked Classification Criteria (2023). Collection method: clinical testing. Allele origin: unknown.
Comment: This variant is considered benign. This variant is a silent/synonymous amino acid change and it is not expected to impact splicing.

Ambry Genetics
Classification: Likely benign for Hereditary cancer-predisposing syndrome. Last evaluated: 2024-06-25. Review status: criteria provided, single submitter. Criteria: Ambry Variant Classification Scheme 2023. Collection method: clinical testing. Allele origin: germline.

Labcorp Genetics (formerly Invitae), Labcorp
Classification: Likely benign for Oligodontia-cancer predisposition syndrome. Last evaluated: 2024-02-17. Review status: criteria provided, single submitter. Criteria: Invitae Variant Classification Sherloc (09022015). Collection method: clinical testing. Allele origin: germline.